The following is an entry in ClinVar:

NM_023936.2(MRPS34):c.635G>C (p.Arg212Thr)

Genes: MRPS34 (mitochondrial ribosomal protein S34; minus strand), LOC130058182 (ATAC-STARR-seq lymphoblastoid active region 10236; plus strand). Cytogenetic location: 16p13.3.
Variant type: single nucleotide variant.
Coding change: c.635G>C on transcript NM_023936.2 (MANE Select); coding-DNA position 635, G replaced by C.
Protein change: p.Arg212Thr; replaces arginine 212 with threonine.
Molecular consequence: missense variant.
Genome position (GRCh38, 1-based): chr16:1,772,243, C>G on the plus strand (G>C on the coding strand, the complement: MRPS34 is on the minus strand). VCF-style: chr16-1772243-C-G. GRCh37 (hg19) VCF-style: chr16-1822244-C-G.
Other names: c.656G>C, p.Arg219Thr (NM_001300900.2); short protein forms R212T, R219T.
Identifiers: ClinVar variation 2007985 (VCV002007985.4), dbSNP rs2042629046, ClinGen allele CA394242254.

ClinVar aggregate classification (germline): Uncertain significance (1 of 4 stars; one submission).

Submission:

Labcorp Genetics (formerly Invitae), Labcorp
Classification: Uncertain significance. Last evaluated: 2025-04-14. Review status: criteria provided, single submitter. Criteria: Invitae Variant Classification Sherloc (09022015). Collection method: clinical testing. Allele origin: germline.
Comment: This sequence change replaces arginine, which is basic and polar, with threonine, which is neutral and polar, at codon 219 of the MRPS34 protein (p.Arg219Thr). This variant is not present in population databases (gnomAD no frequency). This variant has not been reported in the literature in individuals affected with MRPS34-related conditions. ClinVar contains an entry for this variant (Variation ID: 2007985). An algorithm developed to predict the effect of missense changes on protein structure and function (PolyPhen-2) suggests that this variant is likely to be tolerated. In summary, the available evidence is currently insufficient to determine the role of this variant in disease. Therefore, it has been classified as a Variant of Uncertain Significance.